The following is an entry in ClinVar:

ClinVar aggregate classification (germline): Likely pathogenic (1 of 4 stars; one submission).

Conditions:
Familial adenomatous polyposis 1 (FAP1). Also called: FAMILIAL ADENOMATOUS POLYPOSIS 1, ATTENUATED; POLYPOSIS, ADENOMATOUS INTESTINAL. Identifiers: MedGen C2713442, MONDO:0021056, OMIM 175100. Disease mechanism: loss of function.

Submission:

Neuberg Centre For Genomic Medicine, NCGM
Classification: Likely pathogenic for Familial adenomatous polyposis 1. Last evaluated: 2023-07-22. Review status: criteria provided, single submitter. Criteria: ACMG Guidelines, 2015. Collection method: clinical testing. Allele origin: germline. Inheritance: Autosomal dominant inheritance. Affected: yes.
Comment: The frameshift variant c.4426delp.Val1476PhefsTer31 in the APC gene has not been reported previously as a pathogenic variant nor as a benign variant, to our knowledge. The variant has 0.0007% allele frequency in gnomAD Exomes. This variant causes a frameshift starting with codon Valine 1476, changes this amino acid to Phenylalanine residue, and creates a premature Stop codon at position 31 of the new reading frame. This variant is predicted to cause a loss of normal protein function through protein truncation. Loss of function variants have been previously reported to be disease causing Li et al., 2019. For these reasons, this variant has been classified as Likely Pathogenic.

NM_000038.6(APC):c.4426del (p.Val1476fs)

Gene: APC (APC regulator of Wnt signaling pathway; plus strand). Cytogenetic location: 5q22.2.
Variant type: Deletion.
Coding change: c.4426del on transcript NM_000038.6 (MANE Select); coding-DNA position 4426, one base deleted (G; older notation c.4426delG).
Protein change: p.Val1476fs; shifts the reading frame from valine 1476.
Molecular consequence: frameshift variant. On other transcripts: non-coding transcript variant (2).
Genome position (GRCh38, 1-based): chr5:112,840,020, G deleted. VCF-style (leftmost placement, unchanged base first): chr5-112840019-AG-A. GRCh37 (hg19) VCF-style: chr5-112175716-AG-A.
Other names: c.4426del, p.Val1476fs (NM_001127510.3, NM_001354895.2, NM_001407450.1); c.4372del, p.Val1458fs (NM_001127511.3); c.4480del, p.Val1494fs (NM_001354896.2, NM_001407447.1, NM_001407448.1 and 1 more transcripts); c.4456del, p.Val1486fs (NM_001354897.2); c.4351del, p.Val1451fs (NM_001354898.2); c.4342del, p.Val1448fs (NM_001354899.2); c.4303del, p.Val1435fs (NM_001354900.2); c.4249del, p.Val1417fs (NM_001354901.2, NM_001407453.1); and 11 more; short protein forms V1092fs, V1193fs, V1316fs, V1347fs, V1350fs, V1375fs, V1385fs, V1393fs.
Identifiers: ClinVar variation 3391323 (VCV003391323.1).